The following is an entry in ClinVar:

NM_001321759.2(CDIN1):c.762G>T (p.Glu254Asp)

Gene: CDIN1 (CDAN1 interacting nuclease 1; plus strand). Cytogenetic location: 15q14.
Variant type: single nucleotide variant.
Coding change: c.762G>T on transcript NM_001321759.2 (MANE Select); coding-DNA position 762, G replaced by T.
Protein change: p.Glu254Asp; replaces glutamic acid 254 with aspartic acid.
Molecular consequence: missense variant. On other transcripts: 3 prime UTR variant (1).
Genome position (GRCh38, 1-based): chr15:36,808,369, G>T. VCF-style: chr15-36808369-G-T. GRCh37 (hg19) VCF-style: chr15-37100570-G-T.
Other names: p.Glu254Asp; c.762G>T, p.Glu254Asp (NM_001130010.3); c.468G>T, p.Glu156Asp (NM_001290232.2, NM_001321756.2, NM_032499.6); c.393G>T, p.Glu131Asp (NM_001321757.2); c.651G>T, p.Glu217Asp (NM_001321758.2); c.*29G>T (NM_001321760.2); c.780G>T, p.Glu260Asp (NM_001321761.2); short protein forms E131D, E156D, E217D, E254D, E260D.
Identifiers: ClinVar variation 4879340 (VCV004879340.1).

ClinVar aggregate classification (germline): Uncertain significance (1 of 4 stars; one submission).

gnomAD v4.1: 1 of 1,613,594 alleles (0.000062%); highest among the groups gnomAD compares: Non-Finnish European, 0.000085%; no homozygotes.

Submission:

Mayo Clinic Laboratories, Mayo Clinic
Classification: Uncertain significance. Last evaluated: 2025-07-02. Review status: criteria provided, single submitter. Criteria: ACMG Guidelines, 2015. Collection method: clinical testing. Allele origin: germline. Observed: 1 variant allele.
Comment: BP4_moderate, PM2_supporting